The following is an entry in ClinVar:

ClinVar aggregate classification (germline): Uncertain significance (1 of 4 stars; one submission).

gnomAD v4.1: 1 of 1,614,124 alleles (0.000062%); highest among the groups gnomAD compares: Non-Finnish European, 0.000085%; no homozygotes.

Submission:

Labcorp Genetics (formerly Invitae), Labcorp
Classification: Uncertain significance. Last evaluated: 2024-11-13. Review status: criteria provided, single submitter. Criteria: Invitae Variant Classification Sherloc (09022015). Collection method: clinical testing. Allele origin: germline.
Comment: This sequence change replaces proline, which is neutral and non-polar, with leucine, which is neutral and non-polar, at codon 274 of the NR3C1 protein (p.Pro274Leu). This variant is not present in population databases (gnomAD no frequency). This variant has not been reported in the literature in individuals affected with NR3C1-related conditions. ClinVar contains an entry for this variant (Variation ID: 2026610). An algorithm developed to predict the effect of missense changes on protein structure and function (PolyPhen-2) suggests that this variant is likely to be disruptive. In summary, the available evidence is currently insufficient to determine the role of this variant in disease. Therefore, it has been classified as a Variant of Uncertain Significance.

NM_000176.3(NR3C1):c.821C>T (p.Pro274Leu)

Gene: NR3C1 (nuclear receptor subfamily 3 group C member 1; minus strand). Cytogenetic location: 5q31.3.
Variant type: single nucleotide variant.
Coding change: c.821C>T on transcript NM_000176.3 (MANE Select); coding-DNA position 821, C replaced by T.
Protein change: p.Pro274Leu; replaces proline 274 with leucine.
Molecular consequence: missense variant. On other transcripts: 5 prime UTR variant (3).
Genome position (GRCh38, 1-based): chr5:143,400,019, G>A on the plus strand (C>T on the coding strand, the complement: NR3C1 is on the minus strand). VCF-style: chr5-143400019-G-A. GRCh37 (hg19) VCF-style: chr5-142779584-G-A.
Other names: c.821C>T, p.Pro274Leu (NM_001018074.1, NM_001018075.1, NM_001018076.2 and 10 more transcripts); c.743C>T, p.Pro248Leu (NM_001204258.2); c.566C>T, p.Pro189Leu (NM_001204259.2); c.554C>T, p.Pro185Leu (NM_001204260.2); c.530C>T, p.Pro177Leu (NM_001204261.2); c.-125C>T (NM_001204262.2); c.-170C>T (NM_001204263.2); c.-185C>T (NM_001204264.2); short protein forms P248L, P274L, P185L, P177L, P189L.
Identifiers: ClinVar variation 2026610 (VCV002026610.4), dbSNP rs2480124472, ClinGen allele CA361864820.
Genomic context (GRCh38, chr5:143,400,019, plus strand): 5'-TGCTTAATTACCCCAGGGGTGCAGAGTTCGATGAAATCTTCTTTTTCTGTTTTCACTTGG[G>A]GCAGTGTTACATTACTGGGGCTTGACAAAACCAGATCTCCATTATCCTTAATTTTGGGTT-3'
Protein context (NP_000167.1, residues 264-284): VLSSPSNVTL[Pro274Leu]QVKTEKEDFI